The following is an entry in ClinVar:

NC_000001.10:g.(?_161275666)_(161279695_?)dup

Gene: MPZ (myelin protein zero; minus strand). Cytogenetic location: 1q23.3.
Variant type: Duplication.
Identifiers: ClinVar variation 3247710 (VCV003247710.1).

ClinVar aggregate classification (germline): Pathogenic (1 of 4 stars; one submission).

Conditions:
Charcot-Marie-Tooth disease, type I (CMT1). Also called: Charcot-Marie-Tooth disease type 1; Charcot-Marie-Tooth, Type 1. Identifiers: Orphanet 65753, MedGen C0751036, MONDO:0019011.

Submission:

Labcorp Genetics (formerly Invitae), Labcorp
Classification: Pathogenic for Charcot-Marie-Tooth disease, type I. Last evaluated: 2023-12-27. Review status: criteria provided, single submitter. Criteria: Invitae Variant Classification Sherloc (09022015). Collection method: clinical testing. Allele origin: unknown.
Comment: A copy number gain of the genomic region encompassing the full coding sequence of the MPZ gene has been identified. The boundaries of this event are unknown as they extend beyond the assayed region for this gene and therefore may encompass additional genes. As the precise location of this event is unknown, it may be in tandem or it may be located elsewhere in the genome. A similar copy number variant has been observed in individuals with Charcot-Marie-Tooth disease (PMID: 21787890, 26378787). It has also been observed to segregate with disease in related individuals. For these reasons, this variant has been classified as Pathogenic.

Literature cited by the submitters: PubMed 21787890; PubMed 26378787.